The following is an entry in ClinVar:

NM_018368.4(LMBRD1):c.905G>A (p.Arg302His)

Gene: LMBRD1 (LMBR1 domain containing 1; minus strand). Cytogenetic location: 6q13.
Variant type: single nucleotide variant.
Coding change: c.905G>A on transcript NM_018368.4 (MANE Select); coding-DNA position 905, G replaced by A.
Protein change: p.Arg302His; replaces arginine 302 with histidine.
Molecular consequence: missense variant.
Genome position (GRCh38, 1-based): chr6:69,713,655, C>T on the plus strand (G>A on the coding strand, the complement: LMBRD1 is on the minus strand). VCF-style: chr6-69713655-C-T. GRCh37 (hg19) VCF-style: chr6-70423547-C-T.
Other names: c.686G>A, p.Arg229His (NM_001363722.2, NM_001367271.1, NM_001367272.1); short protein forms R229H, R302H.
Identifiers: ClinVar variation 663786 (VCV000663786.8), dbSNP rs142962811, ClinGen allele CA3879761.
Genomic context (GRCh38, chr6:69,713,655, plus strand): 5'-ACATAAACTTGGGGAAGAGTGACAGCATAATTTTTAAAAACTTCATTTACCTTCAGGGGA[C>T]GCAGAGCGCCACAAAATTTTGTCCACCAGCTGTTTTCAATGAATTCTAAATGCCTCTCTC-3'
Protein context (NP_060838.3, residues 292-312): SWWTKFCGAL[Arg302His]PLKIVWGIFF

ClinVar aggregate classification (germline): Uncertain significance (1 of 4 stars; one submission).

Conditions:
Methylmalonic aciduria and homocystinuria type cblF. Also called: VITAMIN B12 LYSOSOMAL RELEASE DEFECT; VITAMIN B12 STORAGE DISEASE; COBALAMIN F DISEASE; COBALAMIN, DEFECT IN LYSOSOMAL RELEASE OF; METHYLMALONIC ACIDEMIA AND HOMOCYSTINURIA, cblF TYPE; METHYLMALONIC ACIDURIA DUE TO VITAMIN B12-RELEASE DEFECT. Identifiers: Orphanet 79284, MedGen C1848578, MONDO:0010183, OMIM 277380.

Allele frequency attached by ClinVar (database versions not stated): gnomAD exomes 0.00009 and 0.00005; 1000 Genomes Project 30x 0.00016; TOPMed 0.00003; gnomAD 0.00005; ESP Exome Variant Server 0.00015; ExAC 0.00003.
gnomAD v4.1: 79 of 1,613,386 alleles (0.0049%); highest among the groups gnomAD compares: African/African-American, 0.0093%; no homozygotes.

Submission:

Labcorp Genetics (formerly Invitae), Labcorp
Classification: Uncertain significance for Methylmalonic aciduria and homocystinuria type cblF. Last evaluated: 2024-04-18. Review status: criteria provided, single submitter. Criteria: Invitae Variant Classification Sherloc (09022015). Collection method: clinical testing. Allele origin: germline.
Comment: This sequence change replaces arginine, which is basic and polar, with histidine, which is basic and polar, at codon 302 of the LMBRD1 protein (p.Arg302His). This variant is present in population databases (rs142962811, gnomAD 0.06%). This variant has not been reported in the literature in individuals affected with LMBRD1-related conditions. ClinVar contains an entry for this variant (Variation ID: 663786). Advanced modeling of protein sequence and biophysical properties (such as structural, functional, and spatial information, amino acid conservation, physicochemical variation, residue mobility, and thermodynamic stability) performed at Invitae indicates that this missense variant is expected to disrupt LMBRD1 protein function with a positive predictive value of 80%. In summary, the available evidence is currently insufficient to determine the role of this variant in disease. Therefore, it has been classified as a Variant of Uncertain Significance.